The following is an entry in ClinVar:

NM_000371.4(TTR):c.69G>C (p.Thr23=)

Gene: TTR (transthyretin; plus strand). Cytogenetic location: 18q12.1.
Variant type: single nucleotide variant.
Coding change: c.69G>C on transcript NM_000371.4 (MANE Select); coding-DNA position 69, G replaced by C.
Protein change: p.Thr23=; no amino-acid change (threonine 23 retained).
Molecular consequence: synonymous variant.
Genome position (GRCh38, 1-based): chr18:31,591,971, G>C. VCF-style: chr18-31591971-G-C. GRCh37 (hg19) VCF-style: chr18-29171934-G-C.
Identifiers: ClinVar variation 640710 (VCV000640710.7), dbSNP rs752579437, ClinGen allele CA503609373.

ClinVar aggregate classification (germline): Conflicting classifications of pathogenicity. Review status: criteria provided, conflicting classifications (1 of 4 stars). 2 submissions from 2 submitters: Uncertain significance (1); Likely benign (1). Last evaluated 2025-01-18.

Conditions:
Cardiovascular phenotype. Identifiers: MedGen CN230736.
Amyloidosis, hereditary systemic 1 (AMYLD1). Also called: Familial amyloid polyneuropathy; Transthyretin Amyloidosis; Hereditary oculoleptomeningeal amyloid angiopathy; Familial Transthyretin Amyloidosis; AMYLOID CARDIOMYOPATHY; Hereditary Transthyretin Amyloidosis. Identifiers: Orphanet 85447, Orphanet 85451, MedGen C2751492, MONDO:0971004, OMIM 105210.

gnomAD v4.1: 8 of 1,614,014 alleles (0.0005%); highest among the groups gnomAD compares: South Asian, 0.0011%; no homozygotes.

Submissions (2):

Ambry Genetics
Classification: Likely benign for Cardiovascular phenotype. Last evaluated: 2025-01-18. Review status: criteria provided, single submitter. Criteria: Ambry Variant Classification Scheme 2023. Collection method: clinical testing. Allele origin: germline.

Labcorp Genetics (formerly Invitae), Labcorp
Classification: Uncertain significance for Amyloidosis, hereditary systemic 1. Last evaluated: 2024-09-02. Review status: criteria provided, single submitter. Criteria: Invitae Variant Classification Sherloc (09022015). Collection method: clinical testing. Allele origin: germline.
Comment: This sequence change affects codon 23 of the TTR mRNA. It is a 'silent' change, meaning that it does not change the encoded amino acid sequence of the TTR protein. This variant also falls at the last nucleotide of exon 1, which is part of the consensus splice site for this exon. This variant is not present in population databases (gnomAD no frequency). This variant has not been reported in the literature in individuals affected with TTR-related conditions. ClinVar contains an entry for this variant (Variation ID: 640710). Variants that disrupt the consensus splice site are a relatively common cause of aberrant splicing (PMID: 17576681, 9536098). Algorithms developed to predict the effect of sequence changes on RNA splicing suggest that this variant may disrupt the consensus splice site. In summary, the available evidence is currently insufficient to determine the role of this variant in disease. Therefore, it has been classified as a Variant of Uncertain Significance.

Literature cited by the submitters: PubMed 17576681 (cited by Labcorp Genetics (formerly Invitae), Labcorp); PubMed 9536098 (cited by Labcorp Genetics (formerly Invitae), Labcorp).